The following is an entry in ClinVar:

ClinVar aggregate classification (germline): Likely benign (1 of 4 stars; one submission).

Submission:

CeGaT Center for Human Genetics Tuebingen
Classification: Likely benign. Last evaluated: 2024-02-01. Review status: criteria provided, single submitter. Criteria: CeGaT Center For Human Genetics Tuebingen Variant Classification Criteria Version 2. Collection method: clinical testing. Allele origin: germline. Affected: yes. Observed: 1 variant allele.
Comment: EMX2: BP4, BP7

NM_004098.4(EMX2):c.252A>C (p.Pro84=)

Genes: EMX2 (empty spiracles homeobox 2; plus strand), EMX2OS (EMX2 opposite strand/antisense RNA; minus strand). Cytogenetic location: 10q26.11.
Variant type: single nucleotide variant.
Coding change: c.252A>C on transcript NM_004098.4 (MANE Select); coding-DNA position 252, A replaced by C.
Protein change: p.Pro84=; no amino-acid change (proline 84 retained).
Molecular consequence: synonymous variant.
Genome position (GRCh38, 1-based): chr10:117,543,519, A>C. VCF-style: chr10-117543519-A-C. GRCh37 (hg19) VCF-style: chr10-119303030-A-C.
Other names: c.252A>C, p.Pro84= (NM_001165924.2).
Identifiers: ClinVar variation 3025142 (VCV003025142.22), dbSNP rs751794084, ClinGen allele CA471737578.